The following is an entry in ClinVar:

ClinVar aggregate classification (germline): Benign. Review status: criteria provided, multiple submitters, no conflicts (2 of 4 stars). 6 submissions from 6 submitters: Benign (6). Last evaluated 2026-02-01.

Conditions:
Renal tubular dysgenesis. Also called: Renotubular dysgenesis. Identifiers: Orphanet 3033, MedGen C0266313, MONDO:0017609, HP:0008660.

Allele frequency attached by ClinVar (database versions not stated): ExAC 0.01385; ESP Exome Variant Server 0.02884; 1000 Genomes Project 0.03694; TOPMed 0.03708; 1000 Genomes Project 30x 0.03935.
gnomAD v4.1: 9,837 of 1,550,850 alleles (0.63%); highest among the groups gnomAD compares: African/African-American, 12%; 526 homozygotes.

Submissions (6):

Labcorp Genetics (formerly Invitae), Labcorp
Classification: Benign. Last evaluated: 2026-02-01. Review status: criteria provided, single submitter. Criteria: Invitae Variant Classification Sherloc (09022015). Collection method: clinical testing. Allele origin: germline.

Mayo Clinic Laboratories, Mayo Clinic
Classification: Benign. Last evaluated: 2023-03-26. Review status: criteria provided, single submitter. Criteria: ACMG Guidelines, 2015. Collection method: clinical testing. Allele origin: germline. Observed: 3 variant alleles.

GeneDx
Classification: Benign. Last evaluated: 2021-06-10. Review status: criteria provided, single submitter. Criteria: GeneDx Variant Classification Process June 2021. Collection method: clinical testing. Allele origin: germline. Affected: yes.

Illumina Laboratory Services, Illumina
Classification: Benign for Renal tubular dysgenesis of genetic origin. Last evaluated: 2018-01-12. Review status: criteria provided, single submitter. Criteria: ICSL Variant Classification Criteria 13 December 2019. Collection method: clinical testing. Allele origin: germline.
Comment: This variant was observed in the ICSL laboratory as part of a predisposition screen in an ostensibly healthy population. It had not been previously curated by ICSL or reported in the Human Gene Mutation Database (HGMD: prior to June 1st, 2018), and was therefore a candidate for classification through an automated scoring system. Utilizing variant allele frequency, disease prevalence and penetrance estimates, and inheritance mode, an automated score was calculated to assess if this variant is too frequent to cause the disease. Based on the score and internal cut-off values, a variant classified as benign is not then subjected to further curation. The score for this variant resulted in a classification of benign for this disease.

Breakthrough Genomics
Classification: Benign. Review status: criteria provided, single submitter. Criteria: ACMG Guidelines, 2015. Collection method: not provided. Allele origin: germline. Inheritance: Autosomal recessive inheritance. Affected: yes.

PreventionGenetics, part of Exact Sciences
Classification: Benign. Review status: criteria provided, single submitter. Criteria: ACMG Guidelines, 2015. Collection method: clinical testing. Allele origin: germline.

NM_000789.4(ACE):c.3856C>A (p.Arg1286Ser)

Gene: ACE (angiotensin I converting enzyme; plus strand). Cytogenetic location: 17q23.3.
Variant type: single nucleotide variant.
Coding change: c.3856C>A on transcript NM_000789.4 (MANE Select); coding-DNA position 3856, C replaced by A.
Protein change: p.Arg1286Ser; replaces arginine 1286 with serine.
Molecular consequence: missense variant.
Genome position (GRCh38, 1-based): chr17:63,497,301, C>A. VCF-style: chr17-63497301-C-A. GRCh37 (hg19) VCF-style: chr17-61574662-C-A.
Other names: c.2011C>A, p.Arg671Ser (NM_001178057.2); c.2134C>A, p.Arg712Ser (NM_152830.3); short protein forms R1286S, R712S, R671S.
Identifiers: ClinVar variation 256808 (VCV000256808.17), dbSNP rs4364, ClinGen allele CA8700678.